The following is an entry in ClinVar:

NM_032801.5(JAM3):c.892G>T (p.Glu298Ter)

Gene: JAM3 (junctional adhesion molecule 3; plus strand). Cytogenetic location: 11q25.
Variant type: single nucleotide variant.
Coding change: c.892G>T on transcript NM_032801.5 (MANE Select); coding-DNA position 892, G replaced by T.
Protein change: p.Glu298Ter; replaces glutamic acid 298 with a stop codon.
Molecular consequence: nonsense.
Genome position (GRCh38, 1-based): chr11:134,148,813, G>T. VCF-style: chr11-134148813-G-T. GRCh37 (hg19) VCF-style: chr11-134018708-G-T.
Other names: c.739G>T, p.Glu247Ter (NM_001205329.2); short protein forms E247*, E298*.
Identifiers: ClinVar variation 1444717 (VCV001444717.3), dbSNP rs748905480, ClinGen allele CA6370258.

ClinVar aggregate classification (germline): Uncertain significance (1 of 4 stars; one submission).

Allele frequency attached by ClinVar (database versions not stated): TOPMed below 0.00001.
gnomAD v4.1: 7 of 1,614,006 alleles (0.00043%); highest among the groups gnomAD compares: Non-Finnish European, 0.00059%; no homozygotes.

Submission:

Labcorp Genetics (formerly Invitae), Labcorp
Classification: Uncertain significance. Last evaluated: 2021-10-25. Review status: criteria provided, single submitter. Criteria: Invitae Variant Classification Sherloc (09022015). Collection method: clinical testing. Allele origin: germline.
Comment: This sequence change creates a premature translational stop signal (p.Glu298*) in the JAM3 gene. While this is not anticipated to result in nonsense mediated decay, it is expected to disrupt the last 13 amino acid(s) of the JAM3 protein. This variant is present in population databases (rs748905480, gnomAD 0.006%). This variant has not been reported in the literature in individuals affected with JAM3-related conditions. Experimental studies and prediction algorithms are not available or were not evaluated, and the functional significance of this variant is currently unknown. In summary, the available evidence is currently insufficient to determine the role of this variant in disease. Therefore, it has been classified as a Variant of Uncertain Significance.